The following is an entry in ClinVar:

ClinVar aggregate classification (germline): Likely pathogenic (1 of 4 stars; one submission).

Conditions:
alpha Thalassemia. Also called: Alpha thalassemia spectrum. Identifiers: Orphanet 846, MedGen C0002312, MONDO:0011399, OMIM 604131.

Submission:

Natera, Inc.
Classification: Likely pathogenic for Alpha thalassemia. Last evaluated: 2025-09-08. Review status: criteria provided, single submitter. Criteria: Natera Variant Classification Schema (03/2026). Collection method: clinical testing. Allele origin: germline.
Comment: The c.70G>T variant in HBA1 is a nonsense variant predicted to introduce a stop codon at amino acid 24. This variant is expected to result in nonsense mediated decay, truncation, or a dysfunctional protein product. This variant is rare in the general population with a frequency below the threshold expected for the associated phenotype(s). Given the available evidence, this variant is classified as Likely Pathogenic.

NM_000558.5(HBA1):c.70G>T (p.Glu24Ter)

Genes: HBA1 (hemoglobin subunit alpha 1; plus strand), LOC106804613 (hemoglobin subunit alpha 1 recombination region; plus strand). Cytogenetic location: 16p13.3.
Variant type: single nucleotide variant.
Coding change: c.70G>T on transcript NM_000558.5 (MANE Select); coding-DNA position 70, G replaced by T.
Protein change: p.Glu24Ter; replaces glutamic acid 24 with a stop codon.
Molecular consequence: nonsense.
Genome position (GRCh38, 1-based): chr16:176,786, G>T. VCF-style: chr16-176786-G-T. GRCh37 (hg19) VCF-style: chr16-226785-G-T.
Other names: short protein forms E24*.
Identifiers: ClinVar variation 4814417 (VCV004814417.1).